The following is an entry in ClinVar:

ClinVar aggregate classification (germline): Uncertain significance. Review status: criteria provided, multiple submitters, no conflicts (2 of 4 stars). 2 submissions from 2 submitters: Uncertain significance (2). Last evaluated 2025-11-12.

Conditions:
Hypertrophic cardiomyopathy. Also called: HYPERTROPHIC MYOCARDIOPATHY. Identifiers: Orphanet 217569, MedGen C0007194, MeSH D002312, MONDO:0005045, HP:0001639.

Allele frequency attached by ClinVar (database versions not stated): ExAC 0.00002; TOPMed 0.00002; gnomAD 0.00004; ESP Exome Variant Server 0.00008.
gnomAD v4.1: 41 of 1,613,618 alleles (0.0025%); highest among the groups gnomAD compares: African/African-American, 0.004%; no homozygotes.

Submissions (2):

Labcorp Genetics (formerly Invitae), Labcorp
Classification: Uncertain significance for Hypertrophic cardiomyopathy. Last evaluated: 2025-11-12. Review status: criteria provided, single submitter. Criteria: Invitae Variant Classification Sherloc (09022015). Collection method: clinical testing. Allele origin: germline.
Comment: This sequence change replaces valine, which is neutral and non-polar, with methionine, which is neutral and non-polar, at codon 729 of the MYOM1 protein (p.Val729Met). This variant is present in population databases (rs377071165, gnomAD 0.007%). This variant has not been reported in the literature in individuals affected with MYOM1-related conditions. ClinVar contains an entry for this variant (Variation ID: 2060170). Invitae Evidence Modeling of protein sequence and biophysical properties (such as structural, functional, and spatial information, amino acid conservation, physicochemical variation, residue mobility, and thermodynamic stability) indicates that this missense variant is not expected to disrupt MYOM1 protein function with a negative predictive value of 80%. In summary, the available evidence is currently insufficient to determine the role of this variant in disease. Therefore, it has been classified as a Variant of Uncertain Significance.

Ambry Genetics
Classification: Uncertain significance. Last evaluated: 2022-11-27. Review status: criteria provided, single submitter. Criteria: Ambry Variant Classification Scheme 2023. Collection method: clinical testing. Allele origin: germline.
Comment: The p.V729M variant (also known as c.2185G>A), located in coding exon 14 of the MYOM1 gene, results from a G to A substitution at nucleotide position 2185. The valine at codon 729 is replaced by methionine, an amino acid with highly similar properties. This amino acid position is conserved. In addition, this alteration is predicted to be tolerated by in silico analysis. Since supporting evidence is limited at this time, the clinical significance of this alteration remains unclear.

NM_003803.4(MYOM1):c.2185G>A (p.Val729Met)

Gene: MYOM1 (myomesin 1; minus strand). Cytogenetic location: 18p11.31.
Variant type: single nucleotide variant.
Coding change: c.2185G>A on transcript NM_003803.4 (MANE Select); coding-DNA position 2185, G replaced by A.
Protein change: p.Val729Met; replaces valine 729 with methionine.
Molecular consequence: missense variant.
Genome position (GRCh38, 1-based): chr18:3,135,571, C>T on the plus strand (G>A on the coding strand, the complement: MYOM1 is on the minus strand). VCF-style: chr18-3135571-C-T. GRCh37 (hg19) VCF-style: chr18-3135569-C-T.
Other names: c.2185G>A, p.Val729Met (NM_019856.2); short protein forms V729M.
Identifiers: ClinVar variation 2060170 (VCV002060170.6), dbSNP rs377071165, ClinGen allele CA8874721.
Genomic context (GRCh38, chr18:3,135,571, plus strand): 5'-TTTCTCTTGAAGTAAAAGAAGTTTACAGTTGCTTACCAAGTTTGTCCCCTACCACAGTCA[C>T]CTCCGTTGCCTCTGAGGGCTCACCAACTCCTGCAGAATTAGAACAGCGGACACGGAAACA-3'
Protein context (NP_003794.3, residues 719-739): GVGEPSEATE[Val729Met]TVVGDKLDIP